The following is an entry in ClinVar:

ClinVar aggregate classification (germline): Uncertain significance (1 of 4 stars; one submission).

Conditions:
Hereditary diffuse gastric adenocarcinoma (HDGC). Also called: DIFFUSE GASTRIC AND LOBULAR BREAST CANCER SYNDROME. Identifiers: Orphanet 26106, MedGen C1708349, MONDO:0007648, OMIM 137215.

Submission:

Labcorp Genetics (formerly Invitae), Labcorp
Classification: Uncertain significance for Hereditary diffuse gastric adenocarcinoma. Last evaluated: 2024-03-09. Review status: criteria provided, single submitter. Criteria: Invitae Variant Classification Sherloc (09022015). Collection method: clinical testing. Allele origin: germline.
Comment: This sequence change replaces proline, which is neutral and non-polar, with serine, which is neutral and polar, at codon 700 of the CDH1 protein (p.Pro700Ser). This variant is not present in population databases (gnomAD no frequency). This variant has not been reported in the literature in individuals affected with CDH1-related conditions. An algorithm developed to predict the effect of missense changes on protein structure and function (PolyPhen-2) suggests that this variant is likely to be tolerated. In summary, the available evidence is currently insufficient to determine the role of this variant in disease. Therefore, it has been classified as a Variant of Uncertain Significance.

NM_004360.5(CDH1):c.2098C>T (p.Pro700Ser)

Gene: CDH1 (cadherin 1; plus strand). Cytogenetic location: 16q22.1.
Variant type: single nucleotide variant.
Coding change: c.2098C>T on transcript NM_004360.5 (MANE Select); coding-DNA position 2098, C replaced by T.
Protein change: p.Pro700Ser; replaces proline 700 with serine.
Molecular consequence: missense variant.
Genome position (GRCh38, 1-based): chr16:68,823,560, C>T. VCF-style: chr16-68823560-C-T. GRCh37 (hg19) VCF-style: chr16-68857463-C-T.
Other names: c.1915C>T, p.Pro639Ser (NM_001317184.2); c.550C>T, p.Pro184Ser (NM_001317185.2); c.133C>T, p.Pro45Ser (NM_001317186.2); short protein forms P45S, P184S, P639S, P700S.
Identifiers: ClinVar variation 3645142 (VCV003645142.2).
Genomic context (GRCh38, chr16:68,823,560, plus strand): 5'-ACCTTAGAGGTCAGCGTGTGTGACTGTGAAGGGGCCGCTGGCGTCTGTAGGAAGGCACAG[C>T]CTGTCGAAGCAGGATTGCAAATTCCTGCCATTCTGGGGATTCTTGGAGGAATTCTTGCTT-3'
Protein context (NP_004351.1, residues 690-710): GAAGVCRKAQ[Pro700Ser]VEAGLQIPAI